The following is an entry in ClinVar:

NM_000127.3(EXT1):c.452C>A (p.Ala151Glu)

Gene: EXT1 (exostosin glycosyltransferase 1; minus strand). Cytogenetic location: 8q24.11.
Variant type: single nucleotide variant.
Coding change: c.452C>A on transcript NM_000127.3 (MANE Select); coding-DNA position 452, C replaced by A.
Protein change: p.Ala151Glu; replaces alanine 151 with glutamic acid.
Molecular consequence: missense variant.
Genome position (GRCh38, 1-based): chr8:118,110,595, G>T on the plus strand (C>A on the coding strand, the complement: EXT1 is on the minus strand). VCF-style: chr8-118110595-G-T. GRCh37 (hg19) VCF-style: chr8-119122834-G-T.
Other names: c.452C>A (NM_000127.2); short protein forms A151E.
Identifiers: ClinVar variation 1474153 (VCV001474153.7), dbSNP rs1385688129, ClinGen allele CA371915814.

ClinVar aggregate classification (germline): Conflicting classifications of pathogenicity. Review status: criteria provided, conflicting classifications (1 of 4 stars). 2 submissions from 2 submitters: Likely pathogenic (1); Uncertain significance (1). Last evaluated 2024-01-16.

Conditions:
Multiple congenital exostosis (EXT). Also called: Hereditary multiple osteochondromas; MULTIPLE CARTILAGINOUS EXOSTOSES; Multiple exostoses; Hereditary multiple exostoses; Hereditary multiple exostosis; Multiple osteochondromas. Identifiers: Orphanet 321, MedGen C0015306, MONDO:0005508, HP:0002762.

Allele frequency attached by ClinVar (database versions not stated): gnomAD 0.00001.
gnomAD v4.1: 1 of 1,614,074 alleles (0.000062%); highest among the groups gnomAD compares: Non-Finnish European, 0.000085%; no homozygotes.

Submissions (2):

Labcorp Genetics (formerly Invitae), Labcorp
Classification: Likely pathogenic for Multiple congenital exostosis. Last evaluated: 2024-01-16. Review status: criteria provided, single submitter. Criteria: Invitae Variant Classification Sherloc (09022015). Collection method: clinical testing. Allele origin: germline.
Comment: This sequence change replaces alanine, which is neutral and non-polar, with glutamic acid, which is acidic and polar, at codon 151 of the EXT1 protein (p.Ala151Glu). This variant is present in population databases (no rsID available, gnomAD 0.007%). This missense change has been observed in individual(s) with hereditary multiple osteochondromatosis (Invitae). ClinVar contains an entry for this variant (Variation ID: 1474153). Advanced modeling of protein sequence and biophysical properties (such as structural, functional, and spatial information, amino acid conservation, physicochemical variation, residue mobility, and thermodynamic stability) performed at Invitae indicates that this missense variant is expected to disrupt EXT1 protein function with a positive predictive value of 80%. In summary, the currently available evidence indicates that the variant is pathogenic, but additional data are needed to prove that conclusively. Therefore, this variant has been classified as Likely Pathogenic.

GeneDx
Classification: Uncertain significance. Last evaluated: 2023-09-30. Review status: criteria provided, single submitter. Criteria: GeneDx Variant Classification Process June 2021. Collection method: clinical testing. Allele origin: germline. Affected: yes.
Comment: Not observed at significant frequency in large population cohorts (gnomAD); In silico analysis supports that this missense variant has a deleterious effect on protein structure/function; Has not been previously published as pathogenic or benign to our knowledge